The following is an entry in ClinVar:

NM_002439.5(MSH3):c.2404G>C (p.Asp802His)

Gene: MSH3 (mutS homolog 3; plus strand). Cytogenetic location: 5q14.1.
Variant type: single nucleotide variant.
Coding change: c.2404G>C on transcript NM_002439.5 (MANE Select); coding-DNA position 2404, G replaced by C.
Protein change: p.Asp802His; replaces aspartic acid 802 with histidine.
Molecular consequence: missense variant.
Genome position (GRCh38, 1-based): chr5:80,778,805, G>C. VCF-style: chr5-80778805-G-C. GRCh37 (hg19) VCF-style: chr5-80074624-G-C.
Other names: short protein forms D802H.
Identifiers: ClinVar variation 1046260 (VCV001046260.8), dbSNP rs56084344, ClinGen allele CA121328261.

ClinVar aggregate classification (germline): Uncertain significance (1 of 4 stars; one submission).

Allele frequency attached by ClinVar (database versions not stated): 1000 Genomes Project 30x 0.00016; 1000 Genomes Project 0.00020.

Submission:

Labcorp Genetics (formerly Invitae), Labcorp
Classification: Uncertain significance. Last evaluated: 2025-05-11. Review status: criteria provided, single submitter. Criteria: Invitae Variant Classification Sherloc (09022015). Collection method: clinical testing. Allele origin: germline.
Comment: This sequence change replaces aspartic acid, which is acidic and polar, with histidine, which is basic and polar, at codon 802 of the MSH3 protein (p.Asp802His). This variant is not present in population databases (gnomAD no frequency). This variant has not been reported in the literature in individuals affected with MSH3-related conditions. ClinVar contains an entry for this variant (Variation ID: 1046260). An algorithm developed to predict the effect of missense changes on protein structure and function (PolyPhen-2) suggests that this variant is likely to be disruptive. In summary, the available evidence is currently insufficient to determine the role of this variant in disease. Therefore, it has been classified as a Variant of Uncertain Significance.